The following is an entry in ClinVar:

NM_177438.3(DICER1):c.3628C>T (p.Pro1210Ser)

Gene: DICER1 (dicer 1, ribonuclease III; minus strand). Cytogenetic location: 14q32.13.
Variant type: single nucleotide variant.
Coding change: c.3628C>T on transcript NM_177438.3 (MANE Select); coding-DNA position 3628, C replaced by T.
Protein change: p.Pro1210Ser; replaces proline 1210 with serine.
Molecular consequence: missense variant.
Genome position (GRCh38, 1-based): chr14:95,103,768, G>A on the plus strand (C>T on the coding strand, the complement: DICER1 is on the minus strand). VCF-style: chr14-95103768-G-A. GRCh37 (hg19) VCF-style: chr14-95570105-G-A.
Other names: c.3628C>T, p.Pro1210Ser (NM_001195573.1, NM_001271282.3, NM_001291628.2 and 1 more transcripts); short protein forms P1210S.
Identifiers: ClinVar variation 412101 (VCV000412101.18), dbSNP rs200925349, ClinGen allele CA16614326.

ClinVar aggregate classification (germline): Uncertain significance. Review status: criteria provided, multiple submitters, no conflicts (2 of 4 stars). 4 submissions from 4 submitters: Uncertain significance (4). Last evaluated 2025-12-22.

Conditions:
DICER1-related tumor predisposition. Also called: DICER1-related pleuropulmonary blastoma cancer predisposition syndrome; DICER1 syndrome. Identifiers: Orphanet 284343, MedGen C3839822, MONDO:0100216.
Hereditary cancer-predisposing syndrome. Also called: Hereditary neoplastic syndrome; Neoplastic Syndromes, Hereditary; Tumor predisposition; Hereditary Cancer Syndrome. Identifiers: Orphanet 140162, MedGen C0027672, MeSH D009386, MONDO:0015356.

Allele frequency attached by ClinVar (database versions not stated): TOPMed below 0.00001; gnomAD 0.00001; gnomAD exomes 0.00001.
gnomAD v4.1: 12 of 1,614,030 alleles (0.00074%); highest among the groups gnomAD compares: South Asian, 0.0033%; no homozygotes.

Submissions (4):

Labcorp Genetics (formerly Invitae), Labcorp
Classification: Uncertain significance for DICER1-related tumor predisposition. Last evaluated: 2025-12-22. Review status: criteria provided, single submitter. Criteria: Invitae Variant Classification Sherloc (09022015). Collection method: clinical testing. Allele origin: germline.
Comment: This sequence change replaces proline, which is neutral and non-polar, with serine, which is neutral and polar, at codon 1210 of the DICER1 protein (p.Pro1210Ser). This variant is not present in population databases (gnomAD no frequency). This variant has not been reported in the literature in individuals affected with DICER1-related conditions. ClinVar contains an entry for this variant (Variation ID: 412101). Invitae Evidence Modeling of protein sequence and biophysical properties (such as structural, functional, and spatial information, amino acid conservation, physicochemical variation, residue mobility, and thermodynamic stability) indicates that this missense variant is not expected to disrupt DICER1 protein function with a negative predictive value of 95%. In summary, the available evidence is currently insufficient to determine the role of this variant in disease. Therefore, it has been classified as a Variant of Uncertain Significance.

GeneDx
Classification: Uncertain significance. Last evaluated: 2025-06-20. Review status: criteria provided, single submitter. Criteria: GeneDx Variant Classification Process June 2021. Collection method: clinical testing. Allele origin: germline. Affected: yes.
Comment: Not observed at significant frequency in large population cohorts (gnomAD); In silico analysis suggests that this missense variant does not alter protein structure/function; Has not been previously published as pathogenic or benign to our knowledge

Ambry Genetics
Classification: Uncertain significance for Hereditary cancer-predisposing syndrome. Last evaluated: 2025-01-07. Review status: criteria provided, single submitter. Criteria: Ambry Variant Classification Scheme 2023. Collection method: clinical testing. Allele origin: germline.

Sema4
Classification: Uncertain significance for Hereditary cancer-predisposing syndrome. Last evaluated: 2021-05-06. Review status: criteria provided, single submitter. Criteria: Sema4 Curation Guidelines. Collection method: curation. Allele origin: germline.
Comment: The DICER1 c.3628C>T (p.1210S) variant has not been reported in literature to our knowledge. This variant was not observed in the large and broad cohorts of the Genome Aggregation Database (PMID: 32461654). This variant has been reported in ClinVar (Variation ID 412101). In silico tools suggest the impact of the variant on protein function is inconclusive, though these predictions have not been confirmed by functional studies. The overall evidence is insufficient to meet ACMG/AMP criteria for classifying it as benign or pathogenic. In summary, the clinical significance of this variant is currently uncertain.